The following is an entry in ClinVar:

ClinVar aggregate classification (germline): Uncertain significance. Review status: criteria provided, multiple submitters, no conflicts (2 of 4 stars). 2 submissions from 2 submitters: Uncertain significance (2). Last evaluated 2022-12-30.

Conditions:
Developmental and epileptic encephalopathy, 42 (DEE42A). Also called: DEVELOPMENTAL AND EPILEPTIC ENCEPHALOPATHY 42A; EPILEPTIC ENCEPHALOPATHY, EARLY INFANTILE, 42A; Epileptic encephalopathy, early infantile, 42. Identifiers: MedGen C4310716, MONDO:0014917, OMIM 617106.
Episodic ataxia type 2 (EA2). Also called: ATAXIA, EPISODIC, WITH NYSTAGMUS; ATAXIA, FAMILIAL PAROXYSMAL; CEREBELLAR ATAXIA, PAROXYSMAL, ACETAZOLAMIDE-RESPONSIVE; CEREBELLOPATHY, HEREDITARY PAROXYSMAL; EPISODIC ATAXIA, NYSTAGMUS-ASSOCIATED; ACETAZOLAMIDE-RESPONSIVE HEREDITARY PAROXYSMAL CEREBELLAR ATAXIA. Identifiers: Orphanet 97, MedGen C1720416, MONDO:0007163, OMIM 108500.

Submissions (2):

Labcorp Genetics (formerly Invitae), Labcorp
Classification: Uncertain significance for Developmental and epileptic encephalopathy, 42; Episodic ataxia type 2. Last evaluated: 2022-12-30. Review status: criteria provided, single submitter. Criteria: Invitae Variant Classification Sherloc (09022015). Collection method: clinical testing. Allele origin: germline.
Comment: In summary, the available evidence is currently insufficient to determine the role of this variant in disease. Therefore, it has been classified as a Variant of Uncertain Significance. Variants that disrupt the consensus splice site are a relatively common cause of aberrant splicing (PMID: 17576681, 9536098). Algorithms developed to predict the effect of sequence changes on RNA splicing suggest that this variant may create or strengthen a splice site. Algorithms developed to predict the effect of missense changes on protein structure and function (SIFT, PolyPhen-2, Align-GVGD) all suggest that this variant is likely to be disruptive. This variant has not been reported in the literature in individuals affected with CACNA1A-related conditions. This variant is not present in population databases (gnomAD no frequency). This sequence change replaces arginine, which is basic and polar, with proline, which is neutral and non-polar, at codon 1751 of the CACNA1A protein (p.Arg1751Pro). This variant also falls at the last nucleotide of exon 34, which is part of the consensus splice site for this exon.

Blueprint Genetics
Classification: Uncertain significance. Last evaluated: 2020-06-17. Review status: criteria provided, single submitter. Criteria: ACMG Guidelines, 2015. Collection method: clinical testing. Allele origin: germline.

Literature cited by the submitters: PubMed 17576681 (cited by Labcorp Genetics (formerly Invitae), Labcorp); PubMed 9536098 (cited by Labcorp Genetics (formerly Invitae), Labcorp).

NM_001127222.2(CACNA1A):c.5249G>C (p.Arg1750Pro)

Gene: CACNA1A (calcium voltage-gated channel subunit alpha1 A; minus strand). Cytogenetic location: 19p13.13.
Variant type: single nucleotide variant.
Coding change: c.5249G>C on transcript NM_001127222.2 (MANE Select); coding-DNA position 5249, G replaced by C.
Protein change: p.Arg1750Pro; replaces arginine 1750 with proline.
Molecular consequence: missense variant.
Genome position (GRCh38, 1-based): chr19:13,234,921, C>G on the plus strand (G>C on the coding strand, the complement: CACNA1A is on the minus strand). VCF-style: chr19-13234921-C-G. GRCh37 (hg19) VCF-style: chr19-13345735-C-G.
Other names: c.5267G>C, p.Arg1756Pro (NM_000068.4, NM_023035.3); c.5252G>C, p.Arg1751Pro (NM_001127221.2); c.5258G>C, p.Arg1753Pro (NM_001174080.2); short protein forms R1750P, R1753P, R1751P, R1756P.
Identifiers: ClinVar variation 2941814 (VCV002941814.4), dbSNP rs781588570, ClinGen allele CA404335515.